The following is an entry in ClinVar:

ClinVar aggregate classification (germline): Benign/Likely benign. Review status: criteria provided, multiple submitters, no conflicts (2 of 4 stars). 10 submissions from 10 submitters: Benign (5); Likely benign (4). 1 of the submissions does not count toward it. Last evaluated 2026-02-03.

Conditions:
Inborn genetic diseases. Identifiers: MedGen C0950123, MeSH D030342.
Neuronal ceroid lipofuscinosis. Also called: Neuronal Ceroid Lipofuscinoses. Identifiers: Orphanet 216, Orphanet 79263, MedGen C0027877, MONDO:0016295. Disease mechanism: loss of function.

Allele frequency attached by ClinVar (database versions not stated): gnomAD exomes 0.00041 and 0.00099; ExAC 0.00119; 1000 Genomes Project 0.00280; 1000 Genomes Project 30x 0.00297; ESP Exome Variant Server 0.00462; gnomAD 0.00475; TOPMed 0.00516.

Submissions (10):

Labcorp Genetics (formerly Invitae), Labcorp
Classification: Benign for Neuronal ceroid lipofuscinosis. Last evaluated: 2026-02-03. Review status: criteria provided, single submitter. Criteria: Invitae Variant Classification Sherloc (09022015). Collection method: clinical testing. Allele origin: germline.

Blueprint Genetics
Classification: Likely benign. Last evaluated: 2024-09-22. Review status: criteria provided, single submitter. Criteria: ACMG Guidelines, 2015. Collection method: clinical testing. Allele origin: germline.

Women's Health and Genetics/Laboratory Corporation of America, LabCorp
Classification: Likely benign. Last evaluated: 2022-03-03. Review status: criteria provided, single submitter. Criteria: LabCorp Variant Classification Summary - May 2015. Collection method: clinical testing. Allele origin: germline.
Comment: Variant summary: CLN6 c.769A>G (p.Ser257Gly) results in a non-conservative amino acid change in the encoded protein sequence. Five of five in-silico tools predict a damaging effect of the variant on protein function. The variant allele was found at a frequency of 0.00099 in 251286 control chromosomes, predominantly at a frequency of 0.014 within the African or African-American subpopulation in the gnomAD database, including 2 homozygotes. The observed variant frequency within African or African-American control individuals in the gnomAD database is approximately 12 fold of the estimated maximal expected allele frequency for a pathogenic variant in CLN6 causing Neuronal Ceroid-Lipofuscinosis (Batten Disease) phenotype (0.0011), strongly suggesting that the variant is a benign polymorphism found primarily in populations of African or African-American origin. Six clinical diagnostic laboratories have submitted clinical-significance assessments for this variant to ClinVar after 2014 and classified the variant as benign (n=3) and likely benign (n=3). Based on the evidence outlined above, the variant was classified as likely benign.

Illumina Laboratory Services, Illumina
Classification: Likely benign for Neuronal ceroid lipofuscinosis. Last evaluated: 2018-01-13. Review status: criteria provided, single submitter. Criteria: ICSL Variant Classification Criteria 13 December 2019. Collection method: clinical testing. Allele origin: germline.
Comment: This variant was observed in the ICSL laboratory as part of a predisposition screen in an ostensibly healthy population. It had not been previously curated by ICSL or reported in the Human Gene Mutation Database (HGMD: prior to June 1st, 2018), and was therefore a candidate for classification through an automated scoring system. Utilizing variant allele frequency, disease prevalence and penetrance estimates, and inheritance mode, an automated score was calculated to assess if this variant is too frequent to cause the disease. Based on the score and internal cut-off values, a variant classified as likely benign is not then subjected to further curation. The score for this variant resulted in a classification of likely benign for this disease.

Eurofins Ntd Llc (ga)
Classification: Benign. Last evaluated: 2016-06-02. Review status: criteria provided, single submitter. Criteria: EGL Classification Definitions 2015. Collection method: clinical testing. Allele origin: germline. Observed: 1 variant allele, 1 heterozygote.

Ambry Genetics
Classification: Benign for Inborn genetic diseases. Last evaluated: 2016-01-08. Review status: criteria provided, single submitter. Criteria: Ambry Variant Classification Scheme 2023. Collection method: clinical testing. Allele origin: germline.

Genetic Services Laboratory, University of Chicago
Classification: Likely benign. Last evaluated: 2015-02-09. Review status: criteria provided, single submitter. Criteria: ACMG Guidelines, 2015. Collection method: clinical testing. Allele origin: germline.

GeneDx
Classification: Benign. Last evaluated: 2013-05-16. Review status: criteria provided, single submitter. Criteria: GeneDx Variant Classification (06012015). Collection method: clinical testing. Allele origin: germline. Affected: yes.
Comment: This variant is considered likely benign or benign based on one or more of the following criteria: it is a conservative change, it occurs at a poorly conserved position in the protein, it is predicted to be benign by multiple in silico algorithms, and/or has population frequency not consistent with disease.

PreventionGenetics, part of Exact Sciences
Classification: Benign. Review status: criteria provided, single submitter. Criteria: ACMG Guidelines, 2015. Collection method: clinical testing. Allele origin: germline.

Mayo Clinic Laboratories, Mayo Clinic
Classification: Likely benign. Last evaluated: 2017-09-27. Review status: no assertion criteria provided. Collection method: clinical testing. Allele origin: unknown. Not counted in ClinVar's aggregate classification.

NM_017882.3(CLN6):c.769A>G (p.Ser257Gly)

Gene: CLN6 (CLN6 transmembrane ER protein; minus strand). Cytogenetic location: 15q23.
Variant type: single nucleotide variant.
Coding change: c.769A>G on transcript NM_017882.3 (MANE Select); coding-DNA position 769, A replaced by G.
Protein change: p.Ser257Gly; replaces serine 257 with glycine.
Molecular consequence: missense variant.
Genome position (GRCh38, 1-based): chr15:68,208,307, T>C on the plus strand (A>G on the coding strand, the complement: CLN6 is on the minus strand). VCF-style: chr15-68208307-T-C. GRCh37 (hg19) VCF-style: chr15-68500645-T-C.
Other names: p.S257G:AGC>GGC; short protein forms S257G.
Identifiers: ClinVar variation 136800 (VCV000136800.32), dbSNP rs151295143, ClinGen allele CA290148.
Genomic context (GRCh38, chr15:68,208,307, plus strand): 5'-CCCAGAGCGCCACAAGCAAGAGGGTCAGTGCGAAGGAGGAGAAGAGGAAGAGGCCGTTGC[T>C]GTCCAGGAAGAGGCGCTTGCGCTTCTGGTGCAGGACGAGGGCCAGCATGGCGAAGAAGGT-3'
Protein context (NP_060352.1, residues 247-267): HQKRKRLFLD[Ser257Gly]NGLFLFSSFA